The following is an entry in ClinVar:

NM_019597.5(HNRNPH2):c.222C>T (p.Asp74=)

Genes: HNRNPH2 (heterogeneous nuclear ribonucleoprotein H2; plus strand), RPL36A-HNRNPH2 (RPL36A-HNRNPH2 readthrough; plus strand). Cytogenetic location: Xq22.1.
Variant type: single nucleotide variant.
Coding change: c.222C>T on transcript NM_019597.5 (MANE Select); coding-DNA position 222, C replaced by T.
Protein change: p.Asp74=; no amino-acid change (aspartic acid 74 retained).
Molecular consequence: synonymous variant. On other transcripts: 3 prime UTR variant (2).
Genome position (GRCh38, 1-based): chrX:101,412,210, C>T. VCF-style: chrX-101412210-C-T. GRCh37 (hg19) VCF-style: chrX-100667198-C-T.
Other names: c.*218C>T (NM_001199973.2, NM_001199974.2); c.222C>T, p.Asp74= (NM_001032393.3).
Identifiers: ClinVar variation 3389717 (VCV003389717.14).

ClinVar aggregate classification (germline): Likely benign (1 of 4 stars; one submission).

Submission:

CeGaT Center for Human Genetics Tuebingen
Classification: Likely benign. Last evaluated: 2024-09-01. Review status: criteria provided, single submitter. Criteria: CeGaT Center For Human Genetics Tuebingen Variant Classification Criteria Version 2. Collection method: clinical testing. Allele origin: germline. Affected: yes. Observed: 1 variant allele.
Comment: HNRNPH2: PM2:Supporting, BP4, BP7